The following is an entry in ClinVar:

ClinVar aggregate classification (germline): Uncertain significance. Review status: criteria provided, multiple submitters, no conflicts (2 of 4 stars). 2 submissions from 2 submitters: Uncertain significance (2). Last evaluated 2021-12-24.

Conditions:
Combined immunodeficiency due to ZAP70 deficiency (IMD48). Also called: Immunodeficiency 48; ZAP70 Deficiency. Identifiers: Orphanet 911, MedGen C2931299, MONDO:0010023, OMIM 269840.

Allele frequency attached by ClinVar (database versions not stated): gnomAD exomes 0.00002 and 0.00004; TOPMed 0.00002; gnomAD 0.00004; ExAC 0.00002.
gnomAD v4.1: 31 of 1,613,980 alleles (0.0019%); highest among the groups gnomAD compares: Admixed American, 0.018%; no homozygotes.

Submissions (2):

Labcorp Genetics (formerly Invitae), Labcorp
Classification: Uncertain significance for Combined immunodeficiency due to ZAP70 deficiency. Last evaluated: 2021-12-24. Review status: criteria provided, single submitter. Criteria: Invitae Variant Classification Sherloc (09022015). Collection method: clinical testing. Allele origin: germline.
Comment: This sequence change replaces proline, which is neutral and non-polar, with leucine, which is neutral and non-polar, at codon 307 of the ZAP70 protein (p.Pro307Leu). This variant is present in population databases (rs201386206, gnomAD 0.02%). This variant has not been reported in the literature in individuals affected with ZAP70-related conditions. ClinVar contains an entry for this variant (Variation ID: 895248). Algorithms developed to predict the effect of missense changes on protein structure and function are either unavailable or do not agree on the potential impact of this missense change (SIFT: "Not Available"; PolyPhen-2: "Benign"; Align-GVGD: "Not Available"). In summary, the available evidence is currently insufficient to determine the role of this variant in disease. Therefore, it has been classified as a Variant of Uncertain Significance.

Illumina Laboratory Services, Illumina
Classification: Uncertain significance for Combined immunodeficiency due to ZAP70 deficiency. Last evaluated: 2017-04-27. Review status: criteria provided, single submitter. Criteria: ICSL Variant Classification Criteria 13 December 2019. Collection method: clinical testing. Allele origin: germline.

NM_001079.4(ZAP70):c.920C>T (p.Pro307Leu)

Gene: ZAP70 (zeta chain of T cell receptor associated protein kinase 70; plus strand). Cytogenetic location: 2q11.2.
Variant type: single nucleotide variant.
Coding change: c.920C>T on transcript NM_001079.4 (MANE Select); coding-DNA position 920, C replaced by T.
Protein change: p.Pro307Leu; replaces proline 307 with leucine.
Molecular consequence: missense variant. On other transcripts: 5 prime UTR variant (1).
Genome position (GRCh38, 1-based): chr2:97,734,550, C>T. VCF-style: chr2-97734550-C-T. GRCh37 (hg19) VCF-style: chr2-98351013-C-T.
Other names: c.920C>T, p.Pro307Leu (NM_001378594.1); c.-2C>T (NM_207519.2); short protein forms P307L.
Identifiers: ClinVar variation 895248 (VCV000895248.8), dbSNP rs201386206, ClinGen allele CA1790323.